The following is an entry in ClinVar:

ClinVar aggregate classification (germline): Uncertain significance (1 of 4 stars; one submission).

Submission:

GeneDx
Classification: Uncertain significance. Last evaluated: 2024-07-17. Review status: criteria provided, single submitter. Criteria: GeneDx Variant Classification Process June 2021. Collection method: clinical testing. Allele origin: germline. Affected: yes.
Comment: Has not been previously published as pathogenic or benign to our knowledge; Not observed at significant frequency in large population cohorts (gnomAD); In silico analysis indicates that this missense variant does not alter protein structure/function

NM_004370.6(COL12A1):c.2186T>A (p.Leu729Gln)

Gene: COL12A1 (collagen type XII alpha 1 chain; minus strand). Cytogenetic location: 6q13.
Variant type: single nucleotide variant.
Coding change: c.2186T>A on transcript NM_004370.6 (MANE Select); coding-DNA position 2186, T replaced by A.
Protein change: p.Leu729Gln; replaces leucine 729 with glutamine.
Molecular consequence: missense variant. On other transcripts: intron variant (2).
Genome position (GRCh38, 1-based): chr6:75,177,914, A>T on the plus strand (T>A on the coding strand, the complement: COL12A1 is on the minus strand). VCF-style: chr6-75177914-A-T. GRCh37 (hg19) VCF-style: chr6-75887630-A-T.
Other names: c.2186T>A, p.Leu729Gln (NM_001424113.1, NM_001424114.1, NM_001424115.1); c.73+24806T>A (NM_001424116.1, NM_080645.3); short protein forms L729Q.
Identifiers: ClinVar variation 3573775 (VCV003573775.1).